The following is an entry in ClinVar:

NM_001374259.2(IL12RB2):c.364+6C>G

Gene: IL12RB2 (interleukin 12 receptor subunit beta 2; plus strand). Cytogenetic location: 1p31.3.
Variant type: single nucleotide variant.
Coding change: c.364+6C>G on transcript NM_001374259.2 (MANE Select); 6 bases into the intron after coding-DNA position 364, C replaced by G.
Molecular consequence: intron variant.
Genome position (GRCh38, 1-based): chr1:67,321,895, C>G. VCF-style: chr1-67321895-C-G. GRCh37 (hg19) VCF-style: chr1-67787578-C-G.
Other names: c.364+6C>G (NM_001258214.1, NM_001319233.1, NM_001258216.1 and 2 more transcripts).
Identifiers: ClinVar variation 1447067 (VCV001447067.6), dbSNP rs765844976, ClinGen allele CA900165.
Genomic context (GRCh38, chr1:67,321,895, plus strand): 5'-GCCTGTATCAATAGTGATGAAATTCAAATATGTGGAGCAGAGATCTTCGTTGGTGGTGAG[C>G]ATTCCATTTTGAATTTTTAAAACTTGGTGATCTTTTGGTATTTTTGATCTTTTGGTATTT-3'

ClinVar aggregate classification (germline): Uncertain significance (1 of 4 stars; one submission).

Allele frequency attached by ClinVar (database versions not stated): gnomAD exomes 0.00001; gnomAD 0.00001; ExAC 0.00002.
gnomAD v4.1: 17 of 1,611,280 alleles (0.0011%); highest among the groups gnomAD compares: Non-Finnish European, 0.0013%; no homozygotes.

Submission:

Labcorp Genetics (formerly Invitae), Labcorp
Classification: Uncertain significance. Last evaluated: 2025-08-12. Review status: criteria provided, single submitter. Criteria: Invitae Variant Classification Sherloc (09022015). Collection method: clinical testing. Allele origin: germline.
Comment: This sequence change falls in intron 3 of the IL12RB2 gene. It does not directly change the encoded amino acid sequence of the IL12RB2 protein. It affects a nucleotide within the consensus splice site. This variant is present in population databases (rs765844976, gnomAD 0.003%). This variant has not been reported in the literature in individuals affected with IL12RB2-related conditions. ClinVar contains an entry for this variant (Variation ID: 1447067). Variants that disrupt the consensus splice site are a relatively common cause of aberrant splicing (PMID: 17576681, 9536098). Algorithms developed to predict the effect of sequence changes on RNA splicing suggest that this variant is not likely to affect RNA splicing. In summary, the available evidence is currently insufficient to determine the role of this variant in disease. Therefore, it has been classified as a Variant of Uncertain Significance.

Literature cited by the submitters: PubMed 17576681; PubMed 9536098.